The following is an entry in ClinVar:

NM_001379451.1(BCORL1):c.2599T>A (p.Ser867Thr)

Gene: BCORL1 (BCL6 corepressor like 1; plus strand). Cytogenetic location: Xq26.1.
Variant type: single nucleotide variant.
Coding change: c.2599T>A on transcript NM_001379451.1 (MANE Select); coding-DNA position 2599, T replaced by A.
Protein change: p.Ser867Thr; replaces serine 867 with threonine.
Molecular consequence: missense variant.
Genome position (GRCh38, 1-based): chrX:130,015,371, T>A. VCF-style: chrX-130015371-T-A. GRCh37 (hg19) VCF-style: chrX-129149347-T-A.
Other names: c.2599T>A, p.Ser867Thr (NM_001184772.3, NM_001379450.1, NM_021946.5); short protein forms S867T.
Identifiers: ClinVar variation 3898987 (VCV003898987.1).

ClinVar aggregate classification (germline): Uncertain significance (1 of 4 stars; one submission).

Submission:

GeneDx
Classification: Uncertain significance. Last evaluated: 2024-11-06. Review status: criteria provided, single submitter. Criteria: GeneDx Variant Classification Process June 2021. Collection method: clinical testing. Allele origin: germline. Affected: yes.
Comment: Not observed at significant frequency in large population cohorts (gnomAD); In silico analysis indicates that this missense variant does not alter protein structure/function; Has not been previously published as pathogenic or benign to our knowledge